The following is an entry in ClinVar:

ClinVar aggregate classification (germline): Likely benign (1 of 4 stars; one submission).

Submission:

CeGaT Center for Human Genetics Tuebingen
Classification: Likely benign. Last evaluated: 2026-07-01. Review status: criteria provided, single submitter. Criteria: CeGaT Center For Human Genetics Tuebingen Variant Classification Criteria Version 2. Collection method: clinical testing. Allele origin: germline. Affected: yes. Observed: 1 variant allele.
Comment: PUM1: BP4, BP7

NM_001020658.2(PUM1):c.3498G>A (p.Leu1166=)

Gene: PUM1 (pumilio RNA binding family member 1; minus strand). Cytogenetic location: 1p35.2.
Variant type: single nucleotide variant.
Coding change: c.3498G>A on transcript NM_001020658.2 (MANE Select); coding-DNA position 3498, G replaced by A.
Protein change: p.Leu1166=; no amino-acid change (leucine 1166 retained).
Molecular consequence: synonymous variant.
Genome position (GRCh38, 1-based): chr1:30,933,280, C>T on the plus strand (G>A on the coding strand, the complement: PUM1 is on the minus strand). VCF-style: chr1-30933280-C-T. GRCh37 (hg19) VCF-style: chr1-31406127-C-T.
Other names: c.3492G>A, p.Leu1164= (NM_014676.3).
Identifiers: ClinVar variation 5040045 (VCV005040045.1).
Genomic context (GRCh38, chr1:30,933,280, plus strand): 5'-ACCATTAGGGGGGCCACAGATGGGCCCTAAGTCAACACCGTTCTTCATGTAGTACTTCTC[C>T]AGCTTGGCCAGAATGTGCTTGCCATAGGTGTACTTACGAAGAGTTGCGATGTGGGGCCGG-3'
Protein context (NP_001018494.1, residues 1156-1176): YTYGKHILAK[Leu1166=]EKYYMKNGVD